The following is an entry in ClinVar:

NM_024675.4(PALB2):c.2722A>C (p.Lys908Gln)

Gene: PALB2 (partner and localizer of BRCA2; minus strand). Cytogenetic location: 16p12.2.
Variant type: single nucleotide variant.
Coding change: c.2722A>C on transcript NM_024675.4 (MANE Select); coding-DNA position 2722, A replaced by C.
Protein change: p.Lys908Gln; replaces lysine 908 with glutamine.
Molecular consequence: missense variant.
Genome position (GRCh38, 1-based): chr16:23,626,262, T>G on the plus strand (A>C on the coding strand, the complement: PALB2 is on the minus strand). VCF-style: chr16-23626262-T-G. GRCh37 (hg19) VCF-style: chr16-23637583-T-G.
Other names: short protein forms K908Q.
Identifiers: ClinVar variation 1022006 (VCV001022006.7), dbSNP rs1966842344, ClinGen allele CA395121871.

ClinVar aggregate classification (germline): Uncertain significance (1 of 4 stars; one submission).

Conditions:
Familial cancer of breast. Also called: Hereditary breast cancer; BREAST CANCER, FAMILIAL; hereditary breast carcinoma. Identifiers: Orphanet 227535, MedGen C0346153, MONDO:0016419, OMIM 114480. Disease mechanism: loss of function.

Submission:

Labcorp Genetics (formerly Invitae), Labcorp
Classification: Uncertain significance for Familial cancer of breast. Last evaluated: 2021-10-29. Review status: criteria provided, single submitter. Criteria: Invitae Variant Classification Sherloc (09022015). Collection method: clinical testing. Allele origin: germline.
Comment: Algorithms developed to predict the effect of missense changes on protein structure and function are either unavailable or do not agree on the potential impact of this missense change (SIFT: "Tolerated"; PolyPhen-2: "Probably Damaging"; Align-GVGD: "Class C0"). This sequence change replaces lysine, which is basic and polar, with glutamine, which is neutral and polar, at codon 908 of the PALB2 protein (p.Lys908Gln). This variant is not present in population databases (gnomAD no frequency). This variant has not been reported in the literature in individuals affected with PALB2-related conditions. ClinVar contains an entry for this variant (Variation ID: 1022006). In summary, the available evidence is currently insufficient to determine the role of this variant in disease. Therefore, it has been classified as a Variant of Uncertain Significance.